The following is an entry in ClinVar:

ClinVar aggregate classification (germline): Uncertain significance. Review status: criteria provided, multiple submitters, no conflicts (2 of 4 stars). 2 submissions from 2 submitters: Uncertain significance (2). Last evaluated 2025-07-17.

Conditions:
Hereditary cancer-predisposing syndrome. Also called: Hereditary Cancer Syndrome; Tumor predisposition; Hereditary neoplastic syndrome; Neoplastic Syndromes, Hereditary. Identifiers: Orphanet 140162, MedGen C0027672, MeSH D009386, MONDO:0015356.

Submissions (2):

Ambry Genetics
Classification: Uncertain significance for Hereditary cancer-predisposing syndrome. Last evaluated: 2025-07-17. Review status: criteria provided, single submitter. Criteria: Ambry Variant Classification Scheme 2023. Collection method: clinical testing. Allele origin: germline.
Comment: The c.5848_5868del21 variant (also known as p.Q1950_E1956del) is located in coding exon 43 of the POLE gene. This variant results from an in-frame deletion of 21 nucleotides (CAGGAAAATGAGGACGATGAG) at positions 5848 to 5868. This results in the in-frame deletion of 7 residues (QENEDDE) at codons 1950 to 1956. This variant was detected as homozygous in individual(s) with no reported features of autosomal recessive POLE deficiency (Ambry internal data). This amino acid region is not well conserved in available vertebrate species. In addition, this variant is predicted to be deleterious by in silico analysis (Choi Y et al. PLoS ONE. 2012; 7(10):e46688). Based on the available evidence, the clinical significance of this variant remains unclear.

Labcorp Genetics (formerly Invitae), Labcorp
Classification: Uncertain significance. Last evaluated: 2025-05-04. Review status: criteria provided, single submitter. Criteria: Invitae Variant Classification Sherloc (09022015). Collection method: clinical testing. Allele origin: germline.
Comment: This variant, c.5848_5868del, results in the deletion of 7 amino acid(s) of the POLE protein (p.Gln1950_Glu1956del), but otherwise preserves the integrity of the reading frame. This variant is not present in population databases (gnomAD no frequency). This variant has not been reported in the literature in individuals affected with POLE-related conditions. ClinVar contains an entry for this variant (Variation ID: 1055676). Experimental studies and prediction algorithms are not available or were not evaluated, and the functional significance of this variant is currently unknown. In summary, the available evidence is currently insufficient to determine the role of this variant in disease. Therefore, it has been classified as a Variant of Uncertain Significance.

NM_006231.4(POLE):c.5848_5868del (p.Gln1950_Glu1956del)

Gene: POLE (DNA polymerase epsilon, catalytic subunit; minus strand). Cytogenetic location: 12q24.33.
Variant type: Deletion.
Coding change: c.5848_5868del on transcript NM_006231.4 (MANE Select); coding-DNA positions 5848 to 5868, 21 bases deleted (CAGGAAAATGAGGACGATGAG).
Protein change: p.Gln1950_Glu1956del.
Molecular consequence: inframe deletion.
Genome position (GRCh38, 1-based): chr12:132,634,322-132,634,342, CTCATCGTCCTCATTTTCCTG deleted on the plus strand (CAGGAAAATGAGGACGATGAG on the coding strand, the reverse complement: POLE is on the minus strand); deleting any 21 consecutive bases within chr12:132,634,322-132,634,348 gives the same sequence; the c. name uses the placement nearest the transcript's 3' end. VCF-style (leftmost placement, unchanged base first): chr12-132634321-CCTCATCGTCCTCATTTTCCTG-C. GRCh37 (hg19) VCF-style: chr12-133210907-CCTCATCGTCCTCATTTTCCTG-C.
Other names: c.5848_5868del21 (NM_006231.2).
Identifiers: ClinVar variation 1055676 (VCV001055676.10), dbSNP rs1302016488, ClinGen allele CA2499221504.
Genomic context (GRCh38, chr12:132,634,321, plus strand): 5'-CCAGTAAATCCTCCACGTTGGATTCCTCCGCCTCTTCCTCCTCCTCCCCATCTCTTTCCT[CCTCATCGTCCTCATTTTCCTG>C]CTCATCCTCTGCTCCCCCTGCTTTCTGGGAGTCTTGCTGTAACACATGAGACAACGCGGC-3'